The following is an entry in ClinVar:

NM_015466.4(PTPN23):c.4575G>C (p.Glu1525Asp)

Gene: PTPN23 (protein tyrosine phosphatase non-receptor type 23; plus strand). Cytogenetic location: 3p21.31.
Variant type: single nucleotide variant.
Coding change: c.4575G>C on transcript NM_015466.4 (MANE Select); coding-DNA position 4575, G replaced by C.
Protein change: p.Glu1525Asp; replaces glutamic acid 1525 with aspartic acid.
Molecular consequence: missense variant.
Genome position (GRCh38, 1-based): chr3:47,412,849, G>C. VCF-style: chr3-47412849-G-C. GRCh37 (hg19) VCF-style: chr3-47454339-G-C.
Other names: c.4197G>C, p.Glu1399Asp (NM_001304482.2); short protein forms E1399D, E1525D.
Identifiers: ClinVar variation 3659086 (VCV003659086.2).

ClinVar aggregate classification (germline): Uncertain significance (1 of 4 stars; one submission).

Submission:

Labcorp Genetics (formerly Invitae), Labcorp
Classification: Uncertain significance. Last evaluated: 2024-07-16. Review status: criteria provided, single submitter. Criteria: Invitae Variant Classification Sherloc (09022015). Collection method: clinical testing. Allele origin: germline.
Comment: This sequence change replaces glutamic acid, which is acidic and polar, with aspartic acid, which is acidic and polar, at codon 1525 of the PTPN23 protein (p.Glu1525Asp). This variant is not present in population databases (gnomAD no frequency). This variant has not been reported in the literature in individuals affected with PTPN23-related conditions. An algorithm developed to predict the effect of missense changes on protein structure and function outputs the following: PolyPhen-2: "Not Available". The aspartic acid amino acid residue is found in multiple mammalian species, which suggests that this missense change does not adversely affect protein function. In summary, the available evidence is currently insufficient to determine the role of this variant in disease. Therefore, it has been classified as a Variant of Uncertain Significance.